The following is an entry in ClinVar:

NM_001267550.2(TTN):c.68224+5G>A

Genes: TTN-AS1 (TTN antisense RNA 1; plus strand), TTN (titin; minus strand), LOC126806423 (CDK7 strongly-dependent group 2 enhancer GRCh37_chr2:179443309-179444508; plus strand). Cytogenetic location: 2q31.2.
Variant type: single nucleotide variant.
Coding change: c.68224+5G>A on transcript NM_001267550.2 (MANE Select); 5 bases into the intron after coding-DNA position 68224, G replaced by A.
Molecular consequence: intron variant.
Genome position (GRCh38, 1-based): chr2:178,578,801, C>T on the plus strand (G>A on the coding strand, the complement: TTN is on the minus strand). VCF-style: chr2-178578801-C-T. GRCh37 (hg19) VCF-style: chr2-179443528-C-T.
Other names: c.41029+5G>A (NM_003319.4); c.41605+5G>A (NM_133437.4); c.41404+5G>A (NM_133432.3); c.60520+5G>A (NM_133378.4); c.63301+5G>A (NM_001256850.1).
Identifiers: ClinVar variation 2586528 (VCV002586528.4), dbSNP rs2047041688, ClinGen allele CA430105289.

ClinVar aggregate classification (germline): Uncertain significance. Review status: criteria provided, multiple submitters, no conflicts (2 of 4 stars). 2 submissions from 2 submitters: Uncertain significance (2). Last evaluated 2024-06-18.

Conditions:
Dilated cardiomyopathy 1G (CMD1G). Identifiers: Orphanet 154, MedGen C1858763, MONDO:0011400, OMIM 604145.
Autosomal recessive limb-girdle muscular dystrophy type 2J (LGMDR10). Also called: Limb-girdle muscular dystrophy, type 2J; MUSCULAR DYSTROPHY, LIMB-GIRDLE, AUTOSOMAL RECESSIVE 10. Identifiers: Orphanet 140922, MedGen C1837342, MONDO:0012127, OMIM 608807.
Cardiovascular phenotype. Identifiers: MedGen CN230736.

Allele frequency attached by ClinVar (database versions not stated): gnomAD exomes below 0.00001.
gnomAD v4.1: 6 of 1,609,438 alleles (0.00037%); highest among the groups gnomAD compares: East Asian, 0.0045%; no homozygotes.

Submissions (2):

Labcorp Genetics (formerly Invitae), Labcorp
Classification: Uncertain significance for Dilated cardiomyopathy 1G; Autosomal recessive limb-girdle muscular dystrophy type 2J. Last evaluated: 2024-06-18. Review status: criteria provided, single submitter. Criteria: Invitae Variant Classification Sherloc (09022015). Collection method: clinical testing. Allele origin: germline.
Comment: This sequence change falls in intron 320 of the TTN gene. It does not directly change the encoded amino acid sequence of the TTN protein. It affects a nucleotide within the consensus splice site. This variant is not present in population databases (gnomAD no frequency). This variant has not been reported in the literature in individuals affected with TTN-related conditions. ClinVar contains an entry for this variant (Variation ID: 2586528). Variants that disrupt the consensus splice site are a relatively common cause of aberrant splicing (PMID: 17576681, 9536098). Algorithms developed to predict the effect of sequence changes on RNA splicing suggest that this variant may disrupt the consensus splice site. This variant is located in the A band of TTN (PMID: 25589632). Variants in this region may be relevant for cardiac or neuromuscular disorders (PMID: 25589632, 23975875). In summary, the available evidence is currently insufficient to determine the role of this variant in disease. Therefore, it has been classified as a Variant of Uncertain Significance.

Ambry Genetics
Classification: Uncertain significance for Cardiovascular phenotype. Last evaluated: 2023-07-07. Review status: criteria provided, single submitter. Criteria: Ambry Variant Classification Scheme 2023. Collection method: clinical testing. Allele origin: germline.
Comment: The c.41029+5G>A intronic variant results from a G to A substitution 5 nucleotides after coding exon 147 in the TTN gene. This nucleotide position is highly conserved in available vertebrate species. In silico splice site analysis predicts that this alteration will not have any significant effect on splicing. Since supporting evidence is limited at this time, the clinical significance of this alteration remains unclear.

Literature cited by the submitters: PubMed 17576681 (cited by Labcorp Genetics (formerly Invitae), Labcorp); PubMed 9536098 (cited by Labcorp Genetics (formerly Invitae), Labcorp); PubMed 25589632 (cited by Labcorp Genetics (formerly Invitae), Labcorp); PubMed 23975875 (cited by Labcorp Genetics (formerly Invitae), Labcorp).